The following is an entry in ClinVar:

ClinVar aggregate classification (germline): Uncertain significance. Review status: criteria provided, multiple submitters, no conflicts (2 of 4 stars). 3 submissions from 3 submitters: Uncertain significance (3). Last evaluated 2026-07-06.

Conditions:
Gorlin syndrome. Also called: Nevoid Basal Cell Carcinoma Syndrome; Basal cell nevus syndrome. Identifiers: Orphanet 377, MedGen C0004779, MONDO:0007187.
Hereditary cancer-predisposing syndrome. Also called: Hereditary neoplastic syndrome; Neoplastic Syndromes, Hereditary; Tumor predisposition; Hereditary Cancer Syndrome. Identifiers: Orphanet 140162, MedGen C0027672, MeSH D009386, MONDO:0015356.

Submissions (3):

Ambry Genetics
Classification: Uncertain significance for Hereditary cancer-predisposing syndrome. Last evaluated: 2026-07-06. Review status: criteria provided, single submitter. Criteria: Ambry Variant Classification Scheme 2023. Collection method: clinical testing. Allele origin: germline.
Comment: The p.K663R variant (also known as c.1988A>G), located in coding exon 14 of the PTCH1 gene, results from an A to G substitution at nucleotide position 1988. The lysine at codon 663 is replaced by arginine, an amino acid with highly similar properties. This amino acid position is conserved. In addition, this alteration is predicted to be tolerated by in silico analysis. Based on the available evidence, the clinical significance of this variant remains unclear.

Quest Diagnostics Nichols Institute San Juan Capistrano
Classification: Uncertain significance. Last evaluated: 2024-10-15. Review status: criteria provided, single submitter. Criteria: Quest Diagnostics criteria. Collection method: clinical testing. Allele origin: unknown.
Comment: The PTCH1 c.2186A>G (p.Lys729Arg) variant has not been reported in individuals with PTCH1-related conditions in the published literature. It also has not been reported in large, multi-ethnic general populations (Genome Aggregation Database). Analysis of this variant using bioinformatics tools for the prediction of the effect of amino acid changes on protein structure and function yielded predictions that this variant is benign. Based on the available information, we are unable to determine the clinical significance of this variant.

Labcorp Genetics (formerly Invitae), Labcorp
Classification: Uncertain significance for Gorlin syndrome. Last evaluated: 2024-08-28. Review status: criteria provided, single submitter. Criteria: Invitae Variant Classification Sherloc (09022015). Collection method: clinical testing. Allele origin: germline.
Comment: This sequence change replaces lysine, which is basic and polar, with arginine, which is basic and polar, at codon 729 of the PTCH1 protein (p.Lys729Arg). This variant is not present in population databases (gnomAD no frequency). This variant has not been reported in the literature in individuals affected with PTCH1-related conditions. Invitae Evidence Modeling of protein sequence and biophysical properties (such as structural, functional, and spatial information, amino acid conservation, physicochemical variation, residue mobility, and thermodynamic stability) indicates that this missense variant is not expected to disrupt PTCH1 protein function with a negative predictive value of 95%. In summary, the available evidence is currently insufficient to determine the role of this variant in disease. Therefore, it has been classified as a Variant of Uncertain Significance.

NM_000264.5(PTCH1):c.2186A>G (p.Lys729Arg)

Genes: PTCH1 (patched 1; minus strand), LOC100507346 (uncharacterized LOC100507346; plus strand). Cytogenetic location: 9q22.32.
Variant type: single nucleotide variant.
Coding change: c.2186A>G on transcript NM_000264.5 (MANE Select); coding-DNA position 2186, A replaced by G.
Protein change: p.Lys729Arg; replaces lysine 729 with arginine.
Molecular consequence: missense variant. On other transcripts: non-coding transcript variant (2).
Genome position (GRCh38, 1-based): chr9:95,468,815, T>C on the plus strand (A>G on the coding strand, the complement: PTCH1 is on the minus strand). VCF-style: chr9-95468815-T-C. GRCh37 (hg19) VCF-style: chr9-98231097-T-C.
Other names: c.1988A>G, p.Lys663Arg (NM_001083602.3); c.2183A>G, p.Lys728Arg (NM_001083603.3); c.1733A>G, p.Lys578Arg (NM_001083604.3, NM_001083605.3, NM_001083606.3 and 1 more transcripts); c.2030A>G, p.Lys677Arg (NM_001354918.2); short protein forms K728R, K578R, K677R, K663R, K729R.
Identifiers: ClinVar variation 3572022 (VCV003572022.4).
Genomic context (GRCh38, chr9:95,468,815, plus strand): 5'-GCTTTTGGTTTCAAGAGGAAAGGAGCATAGTGCTTCTCAGCAAAAGATGAGAGTGTCCAC[T>C]TCGTACAGGGGGGCTCGAGGCAGTGGAGGCTGGAGTCGGAGAACTGGGAGAGCAGGTCCC-3'
Protein context (NP_000255.2, residues 719-739): SLHCLEPPCT[Lys729Arg]WTLSSFAEKH